The following is an entry in ClinVar:

NM_002693.3(POLG):c.1291G>A (p.Gly431Ser)

Gene: POLG (DNA polymerase gamma, catalytic subunit; minus strand). Cytogenetic location: 15q26.1.
Variant type: single nucleotide variant.
Coding change: c.1291G>A on transcript NM_002693.3 (MANE Select); coding-DNA position 1291, G replaced by A.
Protein change: p.Gly431Ser; replaces glycine 431 with serine.
Molecular consequence: missense variant.
Genome position (GRCh38, 1-based): chr15:89,327,309, C>T on the plus strand (G>A on the coding strand, the complement: POLG is on the minus strand). VCF-style: chr15-89327309-C-T. GRCh37 (hg19) VCF-style: chr15-89870540-C-T.
Other names: c.1291G>A, p.Gly431Ser (NM_001126131.2); short protein forms G431S.
Identifiers: ClinVar variation 3365774 (VCV003365774.1).

ClinVar aggregate classification (germline): Uncertain significance (1 of 4 stars; one submission).

Submission:

GeneDx
Classification: Uncertain significance. Last evaluated: 2023-12-26. Review status: criteria provided, single submitter. Criteria: GeneDx Variant Classification Process June 2021. Collection method: clinical testing. Allele origin: germline. Affected: yes.
Comment: Has not been previously published as pathogenic or benign to our knowledge; Not observed at significant frequency in large population cohorts (gnomAD); In silico analysis supports that this missense variant does not alter protein structure/function